The following is an entry in ClinVar:

ClinVar aggregate classification (germline): Benign/Likely benign. Review status: criteria provided, multiple submitters, no conflicts (2 of 4 stars). 8 submissions from 8 submitters: Benign (2); Likely benign (6). Last evaluated 2025-03-01.

Conditions:
Familial cancer of breast. Also called: Hereditary breast cancer; BREAST CANCER, FAMILIAL; hereditary breast carcinoma. Identifiers: Orphanet 227535, MedGen C0346153, MONDO:0016419, OMIM 114480. Disease mechanism: loss of function.
Hereditary cancer-predisposing syndrome. Also called: Neoplastic Syndromes, Hereditary; Hereditary neoplastic syndrome; Tumor predisposition; Hereditary Cancer Syndrome. Identifiers: Orphanet 140162, MedGen C0027672, MeSH D009386, MONDO:0015356.
Fanconi anemia complementation group J. Also called: BRIP1-Related Fanconi Anemia. Identifiers: Orphanet 84, MedGen C1836860, MONDO:0012187, OMIM 609054.

gnomAD v4.1: 1 of 1,613,806 alleles (0.000062%); highest among the groups gnomAD compares: Non-Finnish European, 0.000085%; no homozygotes.

Submissions (8):

CeGaT Center for Human Genetics Tuebingen
Classification: Likely benign. Last evaluated: 2025-03-01. Review status: criteria provided, single submitter. Criteria: CeGaT Center For Human Genetics Tuebingen Variant Classification Criteria Version 2. Collection method: clinical testing. Allele origin: germline. Affected: yes. Observed: 1 variant allele.
Comment: BRIP1: BP4, BP7

KCCC/NGS Laboratory, Kuwait Cancer Control Center
Classification: Benign for Familial cancer of breast. Last evaluated: 2025-02-01. Review status: criteria provided, single submitter. Criteria: ACMG Guidelines, 2015. Collection method: clinical testing. Allele origin: germline. Affected: no.

Labcorp Genetics (formerly Invitae), Labcorp
Classification: Likely benign for Familial cancer of breast; Fanconi anemia complementation group J. Last evaluated: 2024-10-23. Review status: criteria provided, single submitter. Criteria: Invitae Variant Classification Sherloc (09022015). Collection method: clinical testing. Allele origin: germline.

Myriad Genetics, Inc.
Classification: Benign for Familial cancer of breast. Last evaluated: 2024-08-22. Review status: criteria provided, single submitter. Criteria: Myriad Autosomal Dominant, Autosomal Recessive and X-Linked Classification Criteria (2023). Collection method: clinical testing. Allele origin: unknown.
Comment: This variant is considered benign. This variant is a silent/synonymous amino acid change and it is not expected to impact splicing.

GeneDx
Classification: Likely benign. Last evaluated: 2020-12-15. Review status: criteria provided, single submitter. Criteria: GeneDx Variant Classification Process June 2021. Collection method: clinical testing. Allele origin: germline. Affected: yes.

Color Diagnostics, LLC DBA Color Health
Classification: Likely benign for Hereditary cancer-predisposing syndrome. Last evaluated: 2020-10-08. Review status: criteria provided, single submitter. Criteria: ACMG Guidelines, 2015. Collection method: clinical testing. Allele origin: germline.

Ambry Genetics
Classification: Likely benign for Hereditary cancer-predisposing syndrome. Last evaluated: 2017-03-24. Review status: criteria provided, single submitter. Criteria: Ambry Variant Classification Scheme 2023. Collection method: clinical testing. Allele origin: germline.

Breakthrough Genomics
Classification: Likely benign. Review status: criteria provided, single submitter. Criteria: ACMG Guidelines, 2015. Collection method: not provided. Allele origin: germline. Inheritance: Autosomal dominant inheritance. Affected: yes.

NM_032043.3(BRIP1):c.690G>C (p.Ser230=)

Gene: BRIP1 (BRCA1 interacting DNA helicase 1; minus strand). Cytogenetic location: 17q23.2.
Variant type: single nucleotide variant.
Coding change: c.690G>C on transcript NM_032043.3 (MANE Select); coding-DNA position 690, G replaced by C.
Protein change: p.Ser230=; no amino-acid change (serine 230 retained).
Molecular consequence: synonymous variant.
Genome position (GRCh38, 1-based): chr17:61,808,695, C>G on the plus strand (G>C on the coding strand, the complement: BRIP1 is on the minus strand). VCF-style: chr17-61808695-C-G. GRCh37 (hg19) VCF-style: chr17-59886056-C-G.
Identifiers: ClinVar variation 384663 (VCV000384663.30), dbSNP rs751460179, ClinGen allele CA16607754.
Genomic context (GRCh38, chr17:61,808,695, plus strand): 5'-TGTCCCAAAATATATTTTGGGTATCTTGGATTTCCCTGTATGATCCTTCTTAATGGTATT[C>G]GATGACTCTTGACTGTTTCCTTGTTTAGTAGAACAACAGCACCTAGAACAGTGGCCAGGG-3'
Protein context (NP_114432.2, residues 220-240): STKQGNSQES[Ser230=]NTIKKDHTGK